The following is an entry in ClinVar:

NM_001130144.3(LTBP3):c.2231-5C>A

Genes: LTBP3 (latent transforming growth factor beta binding protein 3; minus strand), LOC130006029 (ATAC-STARR-seq lymphoblastoid silent region 3532; plus strand). Cytogenetic location: 11q13.1.
Variant type: single nucleotide variant.
Coding change: c.2231-5C>A on transcript NM_001130144.3 (MANE Select); 5 bases into the intron before coding-DNA position 2231, C replaced by A.
Molecular consequence: intron variant.
Genome position (GRCh38, 1-based): chr11:65,546,569, G>T on the plus strand (C>A on the coding strand, the complement: LTBP3 is on the minus strand). VCF-style: chr11-65546569-G-T. GRCh37 (hg19) VCF-style: chr11-65314040-G-T.
Other names: c.1880-5C>A (NM_001164266.1); c.2231-5C>A (NM_021070.4).
Identifiers: ClinVar variation 3730463 (VCV003730463.2).

ClinVar aggregate classification (germline): Uncertain significance (1 of 4 stars; one submission).

Conditions:
Brachyolmia-amelogenesis imperfecta syndrome. Also called: PLATYSPONDYLY WITH AMELOGENESIS IMPERFECTA; Tooth agenesis, selective, 6; Dental anomalies and short stature. Identifiers: Orphanet 2899, MedGen C1832594, MONDO:0011018, OMIM 601216. Disease mechanism: loss of function.

gnomAD v4.1: 17 of 1,601,872 alleles (0.0011%); highest among the groups gnomAD compares: East Asian, 0.038%; no homozygotes.

Submission:

Labcorp Genetics (formerly Invitae), Labcorp
Classification: Uncertain significance for Brachyolmia-amelogenesis imperfecta syndrome. Last evaluated: 2026-01-24. Review status: criteria provided, single submitter. Criteria: Invitae Variant Classification Sherloc (09022015). Collection method: clinical testing. Allele origin: germline.
Comment: This sequence change falls in intron 15 of the LTBP3 gene. It does not directly change the encoded amino acid sequence of the LTBP3 protein. The frequency data for this variant in the population databases is considered unreliable, as metrics indicate poor data quality at this position in the gnomAD database. This variant has not been reported in the literature in individuals affected with LTBP3-related conditions. ClinVar contains an entry for this variant (Variation ID: 3730463). Algorithms developed to predict the effect of sequence changes on RNA splicing suggest that this variant may create or strengthen a splice site. In summary, the available evidence is currently insufficient to determine the role of this variant in disease. Therefore, it has been classified as a Variant of Uncertain Significance.